The following is an entry in ClinVar:

NM_000093.5(COL5A1):c.2248C>T (p.Pro750Ser)

Gene: COL5A1 (collagen type V alpha 1 chain; plus strand). Cytogenetic location: 9q34.3.
Variant type: single nucleotide variant.
Coding change: c.2248C>T on transcript NM_000093.5 (MANE Select); coding-DNA position 2248, C replaced by T.
Protein change: p.Pro750Ser; replaces proline 750 with serine.
Molecular consequence: missense variant.
Genome position (GRCh38, 1-based): chr9:134,768,425, C>T. VCF-style: chr9-134768425-C-T. GRCh37 (hg19) VCF-style: chr9-137660271-C-T.
Other names: c.2248C>T, p.Pro750Ser (NM_001278074.1); short protein forms P750S.
Identifiers: ClinVar variation 4746100 (VCV004746100.1).
Genomic context (GRCh38, chr9:134,768,425, plus strand): 5'-AGCCTAGGGAGGGCATCTCCTCATGGAGTCTCTGGTTTGTTCTAGGGTCCCTTGGGGAAA[C>T]CAGGCCTTCCAGGAATGCCCGGTGCTGACGGACCCCCGGTGAGTAGCCCTGCCCACCTCA-3'
Protein context (NP_000084.3, residues 740-760): PPGEKGPLGK[Pro750Ser]GLPGMPGADG

ClinVar aggregate classification (germline): Uncertain significance (1 of 4 stars; one submission).

Conditions:
Ehlers-Danlos syndrome, classic type, 1 (EDSCL1). Also called: EHLERS-DANLOS SYNDROME, GRAVIS TYPE; EHLERS-DANLOS SYNDROME, SEVERE CLASSIC TYPE; Ehlers-Danlos syndrome, type 1; Ehlers-Danlos Syndrome, Classic Type, COL5A1-Related; EDS I. Identifiers: MedGen C0268335, MONDO:0019567, OMIM 130000.

Submission:

Labcorp Genetics (formerly Invitae), Labcorp
Classification: Uncertain significance for Ehlers-Danlos syndrome, classic type, 1. Last evaluated: 2025-12-22. Review status: criteria provided, single submitter. Criteria: Invitae Variant Classification Sherloc (09022015). Collection method: clinical testing. Allele origin: germline.
Comment: This sequence change replaces proline, which is neutral and non-polar, with serine, which is neutral and polar, at codon 750 of the COL5A1 protein (p.Pro750Ser). This variant is not present in population databases (gnomAD no frequency). This variant has not been reported in the literature in individuals affected with COL5A1-related conditions. Invitae Evidence Modeling of protein sequence and biophysical properties (such as structural, functional, and spatial information, amino acid conservation, physicochemical variation, residue mobility, and thermodynamic stability) indicates that this missense variant is not expected to disrupt COL5A1 protein function with a negative predictive value of 95%. In summary, the available evidence is currently insufficient to determine the role of this variant in disease. Therefore, it has been classified as a Variant of Uncertain Significance.